The following is an entry in ClinVar:

ClinVar aggregate classification (germline): Uncertain significance. Review status: criteria provided, single submitter (1 of 4 stars). 2 submissions from 2 submitters: Uncertain significance (1). 1 of the submissions does not count toward it. Last evaluated 2025-03-28.

Conditions:
SEMA3D-related disorder. Also called: SEMA3D-related condition.

gnomAD v4.1: 2 of 1,614,040 alleles (0.00012%); highest among the groups gnomAD compares: Admixed American, 0.0033%; no homozygotes.

Submissions (2):

Ambry Genetics
Classification: Uncertain significance. Last evaluated: 2025-03-28. Review status: criteria provided, single submitter. Criteria: Ambry Variant Classification Scheme 2023. Collection method: clinical testing. Allele origin: germline.

PreventionGenetics, part of Exact Sciences
Classification: Uncertain significance for SEMA3D-related condition. Last evaluated: 2024-08-26. Review status: no assertion criteria provided. Collection method: clinical testing. Allele origin: germline. Not counted in ClinVar's aggregate classification.
Comment: The SEMA3D c.1973A>T variant is predicted to result in the amino acid substitution p.Lys658Met. To our knowledge, this variant has not been reported in the literature or in a large population database, indicating this variant is rare. At this time, the clinical significance of this variant is uncertain due to the absence of conclusive functional and genetic evidence.

NM_001384900.1(SEMA3D):c.1973A>T (p.Lys658Met)

Genes: SEMA3D (semaphorin 3D; minus strand), LOC126860094 (BRD4-independent group 4 enhancer GRCh37_chr7:84628763-84629962; plus strand). Cytogenetic location: 7q21.11.
Variant type: single nucleotide variant.
Coding change: c.1973A>T on transcript NM_001384900.1 (MANE Select); coding-DNA position 1973, A replaced by T.
Protein change: p.Lys658Met; replaces lysine 658 with methionine.
Molecular consequence: missense variant.
Genome position (GRCh38, 1-based): chr7:84,999,801, T>A on the plus strand (A>T on the coding strand, the complement: SEMA3D is on the minus strand). VCF-style: chr7-84999801-T-A. GRCh37 (hg19) VCF-style: chr7-84629117-T-A.
Other names: c.1973A>T, p.Lys658Met (NM_001384901.1, NM_001384902.1, NM_001384903.1 and 1 more transcripts); short protein forms K658M.
Identifiers: ClinVar variation 3354082 (VCV003354082.2).